The following is an entry in ClinVar:

NM_001303256.3(MORC2):c.2644G>A (p.Ala882Thr)

Gene: MORC2 (MORC family CW-type zinc finger 2; minus strand). Cytogenetic location: 22q12.2.
Variant type: single nucleotide variant.
Coding change: c.2644G>A on transcript NM_001303256.3 (MANE Select); coding-DNA position 2644, G replaced by A.
Protein change: p.Ala882Thr; replaces alanine 882 with threonine.
Molecular consequence: missense variant.
Genome position (GRCh38, 1-based): chr22:30,932,648, C>T on the plus strand (G>A on the coding strand, the complement: MORC2 is on the minus strand). VCF-style: chr22-30932648-C-T. GRCh37 (hg19) VCF-style: chr22-31328635-C-T.
Other names: c.2644G>A, p.Ala882Thr (NM_001303257.2); c.2458G>A, p.Ala820Thr (NM_014941.3); short protein forms A820T, A882T.
Identifiers: ClinVar variation 659050 (VCV000659050.8), dbSNP rs372199572, ClinGen allele CA10186604.
Genomic context (GRCh38, chr22:30,932,648, plus strand): 5'-TCAGGGCAGTGGTGTCAGGCTCAATGCGGAGGCATTCGGAAGTGGAGGGCTCTGCGACAG[C>T]TATGGCCTGCTGGGCCACAGGGCCCACCTCCTCCTCCCCGCCCTCCTGTTGTGTATCAAG-3'
Protein context (NP_001290185.1, residues 872-892): EVGPVAQQAI[Ala882Thr]VAEPSTSECL

ClinVar aggregate classification (germline): Conflicting classifications of pathogenicity. Review status: criteria provided, conflicting classifications (1 of 4 stars). 2 submissions from 2 submitters: Uncertain significance (1); Likely benign (1). Last evaluated 2025-04-29.

Conditions:
Charcot-Marie-Tooth disease axonal type 2Z. Also called: CHARCOT-MARIE-TOOTH DISEASE, AXONAL, AUTOSOMAL DOMINANT, TYPE 2Z; CHARCOT-MARIE-TOOTH NEUROPATHY, TYPE 2Z. Identifiers: Orphanet 466768, MedGen C5569025, MONDO:0014736, OMIM 616688.

Allele frequency attached by ClinVar (database versions not stated): gnomAD 0.00005; TOPMed 0.00005.
gnomAD v4.1: 19 of 1,614,078 alleles (0.0012%); highest among the groups gnomAD compares: African/African-American, 0.013%; no homozygotes.

Submissions (2):

Labcorp Genetics (formerly Invitae), Labcorp
Classification: Uncertain significance for Charcot-Marie-Tooth disease axonal type 2Z. Last evaluated: 2025-04-29. Review status: criteria provided, single submitter. Criteria: Invitae Variant Classification Sherloc (09022015). Collection method: clinical testing. Allele origin: germline.
Comment: This sequence change replaces alanine, which is neutral and non-polar, with threonine, which is neutral and polar, at codon 882 of the MORC2 protein (p.Ala882Thr). This variant is present in population databases (rs372199572, gnomAD 0.03%). This variant has not been reported in the literature in individuals affected with MORC2-related conditions. ClinVar contains an entry for this variant (Variation ID: 659050). Invitae Evidence Modeling of protein sequence and biophysical properties (such as structural, functional, and spatial information, amino acid conservation, physicochemical variation, residue mobility, and thermodynamic stability) has been performed for this missense variant. However, the output from this modeling did not meet the statistical confidence thresholds required to predict the impact of this variant on MORC2 protein function. In summary, the available evidence is currently insufficient to determine the role of this variant in disease. Therefore, it has been classified as a Variant of Uncertain Significance.

Women's Health and Genetics/Laboratory Corporation of America, LabCorp
Classification: Likely benign. Last evaluated: 2024-11-14. Review status: criteria provided, single submitter. Criteria: LabCorp Variant Classification Summary - May 2015. Collection method: clinical testing. Allele origin: germline.
Comment: Variant summary: MORC2 c.2644G>A (p.Ala882Thr) results in a non-conservative amino acid change in the encoded protein sequence. Three of four in-silico tools predict a benign effect of the variant on protein function. The variant allele was found at a frequency of 4.4e-05 in 251388 control chromosomes. The observed variant frequency is approximately 70 fold of the estimated maximal expected allele frequency for a pathogenic variant in MORC2 causing Charcot-Marie-Tooth disease axonal type 2Z phenotype (6.3e-07). To our knowledge, no occurrence of c.2644G>A in individuals affected with Charcot-Marie-Tooth disease axonal type 2Z and no experimental evidence demonstrating its impact on protein function have been reported. ClinVar contains an entry for this variant (Variation ID: 659050). Based on the evidence outlined above, the variant was classified as likely benign.